The following is an entry in ClinVar:

ClinVar aggregate classification (germline): Benign (1 of 4 stars; one submission).

Conditions:
Diabetes insipidus, nephrogenic, autosomal (NDI2). Also called: Nephrogenic Diabetes Insipidus, Type II; Diabetes insipidus, nephrogenic, 2, autosomal. Identifiers: Orphanet 223, MedGen C1563706, MONDO:0007451, OMIM 125800.

Allele frequency attached by ClinVar (database versions not stated): 1000 Genomes Project 30x 0.01515; TOPMed 0.01521; gnomAD 0.01384 and 0.01496; 1000 Genomes Project 0.01398.

Submission:

Illumina Laboratory Services, Illumina
Classification: Benign for Diabetes insipidus, nephrogenic, autosomal. Last evaluated: 2018-01-12. Review status: criteria provided, single submitter. Criteria: ICSL Variant Classification Criteria 13 December 2019. Collection method: clinical testing. Allele origin: germline.
Comment: This variant was observed in the ICSL laboratory as part of a predisposition screen in an ostensibly healthy population. It had not been previously curated by ICSL or reported in the Human Gene Mutation Database (HGMD: prior to June 1st, 2018), and was therefore a candidate for classification through an automated scoring system. Utilizing variant allele frequency, disease prevalence and penetrance estimates, and inheritance mode, an automated score was calculated to assess if this variant is too frequent to cause the disease. Based on the score and internal cut-off values, a variant classified as benign is not then subjected to further curation. The score for this variant resulted in a classification of benign for this disease.

NM_000486.6(AQP2):c.*1395C>T

Genes: AQP2 (aquaporin 2; plus strand), AQP5-AS1 (AQP5 and AQP2 antisense RNA 2; minus strand). Cytogenetic location: 12q13.12.
Variant type: single nucleotide variant.
Coding change: c.*1395C>T on transcript NM_000486.6 (MANE Select); 1395 bases downstream of the stop codon, C replaced by T.
Molecular consequence: 3 prime UTR variant.
Genome position (GRCh38, 1-based): chr12:49,957,003, C>T. VCF-style: chr12-49957003-C-T. GRCh37 (hg19) VCF-style: chr12-50350786-C-T.
Identifiers: ClinVar variation 309254 (VCV000309254.5), dbSNP rs140054228, ClinGen allele CA10633045.